The following is an entry in ClinVar:

NM_000051.4(ATM):c.2322T>C (p.Gly774=)

Gene: ATM (ATM serine/threonine kinase; plus strand). Cytogenetic location: 11q22.3.
Variant type: single nucleotide variant.
Coding change: c.2322T>C on transcript NM_000051.4 (MANE Select); coding-DNA position 2322, T replaced by C.
Protein change: p.Gly774=; no amino-acid change (glycine 774 retained).
Molecular consequence: synonymous variant.
Genome position (GRCh38, 1-based): chr11:108,257,552, T>C. VCF-style: chr11-108257552-T-C. GRCh37 (hg19) VCF-style: chr11-108128279-T-C.
Other names: c.2322T>C, p.Gly774= (NM_001351834.2).
Identifiers: ClinVar variation 231158 (VCV000231158.24), dbSNP rs769575297, ClinGen allele CA6264993.

ClinVar aggregate classification (germline): Benign/Likely benign. Review status: criteria provided, multiple submitters, no conflicts (2 of 4 stars). 7 submissions from 7 submitters: Benign (1); Likely benign (5). 1 of the submissions does not count toward it. Last evaluated 2026-01-30.

Conditions:
ATM-related disorder. Also called: ATM-related disorders; ATM-related condition.
Hereditary cancer-predisposing syndrome. Also called: Hereditary Cancer Syndrome; Neoplastic Syndromes, Hereditary; Tumor predisposition; Hereditary neoplastic syndrome. Identifiers: Orphanet 140162, MedGen C0027672, MeSH D009386, MONDO:0015356.
Familial cancer of breast. Also called: Hereditary breast cancer; hereditary breast carcinoma; BREAST CANCER, FAMILIAL. Identifiers: Orphanet 227535, MedGen C0346153, MONDO:0016419, OMIM 114480. Disease mechanism: loss of function.
Ataxia-telangiectasia syndrome (AT). Also called: Ataxia telangiectasia (A-T); Ataxia-telangiectasia, complementation group E; LOUIS-BAR SYNDROME; Cerebello-oculocutaneous telangiectasia; Immunodeficiency with ataxia telangiectasia; Ataxia-telangiectasia, complementation group D. Identifiers: Orphanet 100, MedGen C0004135, MONDO:0008840, OMIM 208900.

Allele frequency attached by ClinVar (database versions not stated): gnomAD 0.00001; ExAC 0.00005; TOPMed 0.00001; gnomAD exomes 0.00002 and 0.00004.
gnomAD v4.1: 10 of 1,613,958 alleles (0.00062%); highest among the groups gnomAD compares: Admixed American, 0.017%; no homozygotes.

Submissions (7):

Labcorp Genetics (formerly Invitae), Labcorp
Classification: Likely benign for Ataxia-telangiectasia syndrome. Last evaluated: 2026-01-30. Review status: criteria provided, single submitter. Criteria: Invitae Variant Classification Sherloc (09022015). Collection method: clinical testing. Allele origin: germline.

Women's Health and Genetics/Laboratory Corporation of America, LabCorp
Classification: Likely benign. Last evaluated: 2025-03-30. Review status: criteria provided, single submitter. Criteria: LabCorp Variant Classification Summary - May 2015. Collection method: clinical testing. Allele origin: germline.

Myriad Genetics, Inc.
Classification: Benign for Familial cancer of breast. Last evaluated: 2024-05-08. Review status: criteria provided, single submitter. Criteria: Myriad Autosomal Dominant, Autosomal Recessive and X-Linked Classification Criteria (2023). Collection method: clinical testing. Allele origin: unknown.
Comment: This variant is considered benign. This variant is a silent/synonymous amino acid change and it is not expected to impact splicing.

Athena Diagnostics
Classification: Likely benign. Last evaluated: 2020-02-04. Review status: criteria provided, single submitter. Criteria: Athena Diagnostics Criteria. Collection method: clinical testing. Allele origin: unknown.

Color Diagnostics, LLC DBA Color Health
Classification: Likely benign for Hereditary cancer-predisposing syndrome. Last evaluated: 2018-01-06. Review status: criteria provided, single submitter. Criteria: ACMG Guidelines, 2015. Collection method: clinical testing. Allele origin: germline.

Ambry Genetics
Classification: Likely benign for Hereditary cancer-predisposing syndrome. Last evaluated: 2015-04-05. Review status: criteria provided, single submitter. Criteria: Ambry Variant Classification Scheme 2023. Collection method: clinical testing. Allele origin: germline.

PreventionGenetics, part of Exact Sciences
Classification: Likely benign for ATM-related condition. Last evaluated: 2019-08-28. Review status: no assertion criteria provided. Collection method: clinical testing. Allele origin: germline. Not counted in ClinVar's aggregate classification.
Comment: This variant is classified as likely benign based on ACMG/AMP sequence variant interpretation guidelines (Richards et al. 2015 PMID: 25741868, with internal and published modifications).